The following is an entry in ClinVar:

NM_004369.4(COL6A3):c.1786G>T (p.Ala596Ser)

Gene: COL6A3 (collagen type VI alpha 3 chain; minus strand). Cytogenetic location: 2q37.3.
Variant type: single nucleotide variant.
Coding change: c.1786G>T on transcript NM_004369.4 (MANE Select); coding-DNA position 1786, G replaced by T.
Protein change: p.Ala596Ser; replaces alanine 596 with serine.
Molecular consequence: missense variant.
Genome position (GRCh38, 1-based): chr2:237,381,026, C>A on the plus strand (G>T on the coding strand, the complement: COL6A3 is on the minus strand). VCF-style: chr2-237381026-C-A. GRCh37 (hg19) VCF-style: chr2-238289669-C-A.
Other names: c.565G>T, p.Ala189Ser (NM_057164.5, NM_057166.5); c.1168G>T, p.Ala390Ser (NM_057165.5, NM_057167.4); short protein forms A189S, A390S.
Identifiers: ClinVar variation 94912 (VCV000094912.25), dbSNP rs34934127, ClinGen allele CA147922.

ClinVar aggregate classification (germline): Benign/Likely benign. Review status: criteria provided, multiple submitters, no conflicts (2 of 4 stars). 10 submissions from 10 submitters: Benign (7); Likely benign (2). 1 of the submissions does not count toward it. Last evaluated 2026-02-01.

Conditions:
Collagen 6-related myopathy. Identifiers: MedGen CN117976, MONDO:0100225.
Bethlem myopathy 1A. Also called: MYOPATHY, BENIGN CONGENITAL, WITH CONTRACTURES; Bethlem myopathy 1; Bethlem Muscular Dystrophy. Identifiers: Orphanet 610, MedGen CN029274, MONDO:0024530, OMIM 158810.

Allele frequency attached by ClinVar (database versions not stated): 1000 Genomes Project 0.01877; TOPMed 0.02041; gnomAD 0.01891 and 0.02035; 1000 Genomes Project 30x 0.01952; ESP Exome Variant Server 0.02245.
gnomAD v4.1: 6,104 of 1,614,130 alleles (0.38%); highest among the groups gnomAD compares: African/African-American, 6.6%; 187 homozygotes.

Submissions (10):

Labcorp Genetics (formerly Invitae), Labcorp
Classification: Benign for Bethlem myopathy 1A. Last evaluated: 2026-02-01. Review status: criteria provided, single submitter. Criteria: Invitae Variant Classification Sherloc (09022015). Collection method: clinical testing. Allele origin: germline.

Mayo Clinic Laboratories, Mayo Clinic
Classification: Benign. Last evaluated: 2018-05-15. Review status: criteria provided, single submitter. Criteria: ACMG Guidelines, 2015. Collection method: clinical testing. Allele origin: germline. Observed: 10 variant alleles.

Illumina Laboratory Services, Illumina
Classification: Benign for Collagen VI-related myopathy. Last evaluated: 2018-01-13. Review status: criteria provided, single submitter. Criteria: ICSL Variant Classification Criteria 13 December 2019. Collection method: clinical testing. Allele origin: germline.
Comment: This variant was observed in the ICSL laboratory as part of a predisposition screen in an ostensibly healthy population. It had not been previously curated by ICSL or reported in the Human Gene Mutation Database (HGMD: prior to June 1st, 2018), and was therefore a candidate for classification through an automated scoring system. Utilizing variant allele frequency, disease prevalence and penetrance estimates, and inheritance mode, an automated score was calculated to assess if this variant is too frequent to cause the disease. Based on the score and internal cut-off values, a variant classified as benign is not then subjected to further curation. The score for this variant resulted in a classification of benign for this disease.

Athena Diagnostics
Classification: Benign. Last evaluated: 2017-12-15. Review status: criteria provided, single submitter. Criteria: Athena Diagnostics Criteria. Collection method: clinical testing. Allele origin: germline.

GeneDx
Classification: Benign. Last evaluated: 2016-09-22. Review status: criteria provided, single submitter. Criteria: GeneDx Variant Classification (06012015). Collection method: clinical testing. Allele origin: germline. Affected: yes.
Comment: This variant is considered likely benign or benign based on one or more of the following criteria: it is a conservative change, it occurs at a poorly conserved position in the protein, it is predicted to be benign by multiple in silico algorithms, and/or has population frequency not consistent with disease.

Center for Pediatric Genomic Medicine, Children's Mercy Hospital and Clinics
Classification: Benign. Last evaluated: 2015-09-28. Review status: criteria provided, single submitter. Criteria: ACMG Guidelines, 2015. Collection method: clinical testing. Allele origin: germline.

Eurofins Ntd Llc (ga)
Classification: Benign. Last evaluated: 2012-11-05. Review status: criteria provided, single submitter. Criteria: EGL Classification Definitions 2015. Collection method: clinical testing. Allele origin: germline. Observed: 1 variant allele, 1 heterozygote.

Breakthrough Genomics
Classification: Likely benign. Review status: criteria provided, single submitter. Criteria: ACMG Guidelines, 2015. Collection method: not provided. Allele origin: germline. Inheritance: Autosomal recessive inheritance. Affected: yes.

PreventionGenetics, part of Exact Sciences
Classification: Likely benign. Review status: criteria provided, single submitter. Criteria: ACMG Guidelines, 2015. Collection method: clinical testing. Allele origin: germline.

Genetic Services Laboratory, University of Chicago
Classification: Likely benign for AllHighlyPenetrant. Review status: no assertion criteria provided. Collection method: clinical testing. Allele origin: germline. Not counted in ClinVar's aggregate classification.
Comment: Likely benign based on allele frequency in 1000 Genomes Project or ESP global frequency and its presence in a patient with a rare or unrelated disease phenotype. NOT Sanger confirmed.